The following is an entry in ClinVar:

NM_005751.5(AKAP9):c.519G>T (p.Glu173Asp)

Gene: AKAP9 (A-kinase anchoring protein 9; plus strand). Cytogenetic location: 7q21.2.
Variant type: single nucleotide variant.
Coding change: c.519G>T on transcript NM_005751.5 (MANE Select); coding-DNA position 519, G replaced by T.
Protein change: p.Glu173Asp; replaces glutamic acid 173 with aspartic acid.
Molecular consequence: missense variant.
Genome position (GRCh38, 1-based): chr7:91,992,998, G>T. VCF-style: chr7-91992998-G-T. GRCh37 (hg19) VCF-style: chr7-91622312-G-T.
Other names: c.519G>T, p.Glu173Asp (NM_147185.3); short protein forms E173D.
Identifiers: ClinVar variation 3517725 (VCV003517725.3).
Genomic context (GRCh38, chr7:91,992,998, plus strand): 5'-TCCGACTCATCTAGAGATGATGGAAAGTGAGTTGGCTGGGAAGCAGCATGAGATTGAAGA[G>T]CTAAACAGAGAGCTGGAAGAAATGAGGGTTACCTATGGGACTGAAGGACTGCAGCAGGTA-3'
Protein context (NP_005742.4, residues 163-183): ELAGKQHEIE[Glu173Asp]LNRELEEMRV

ClinVar aggregate classification (germline): Uncertain significance. Review status: criteria provided, multiple submitters, no conflicts (2 of 4 stars). 2 submissions from 2 submitters: Uncertain significance (2). Last evaluated 2024-09-02.

Conditions:
Long QT syndrome (LQTS). Identifiers: MedGen C0023976, MeSH D008133, MONDO:0002442. Disease mechanism: loss of function. Inheritance: Various modes of inheritance.
Cardiovascular phenotype. Identifiers: MedGen CN230736.

Submissions (2):

Ambry Genetics
Classification: Uncertain significance for Cardiovascular phenotype. Last evaluated: 2024-09-02. Review status: criteria provided, single submitter. Criteria: Ambry Variant Classification Scheme 2023. Collection method: clinical testing. Allele origin: germline.

Labcorp Genetics (formerly Invitae), Labcorp
Classification: Uncertain significance for Long QT syndrome. Last evaluated: 2024-07-11. Review status: criteria provided, single submitter. Criteria: Invitae Variant Classification Sherloc (09022015). Collection method: clinical testing. Allele origin: germline.
Comment: This sequence change replaces glutamic acid, which is acidic and polar, with aspartic acid, which is acidic and polar, at codon 173 of the AKAP9 protein (p.Glu173Asp). This variant is not present in population databases (gnomAD no frequency). This variant has not been reported in the literature in individuals affected with AKAP9-related conditions. An algorithm developed to predict the effect of missense changes on protein structure and function (PolyPhen-2) suggests that this variant is likely to be disruptive. In summary, the available evidence is currently insufficient to determine the role of this variant in disease. Therefore, it has been classified as a Variant of Uncertain Significance.